The following is an entry in ClinVar:

NM_001379200.1(TBX1):c.116C>T (p.Ala39Val)

Gene: TBX1 (T-box transcription factor 1; plus strand). Cytogenetic location: 22q11.21.
Variant type: single nucleotide variant.
Coding change: c.116C>T on transcript NM_001379200.1 (MANE Select); coding-DNA position 116, C replaced by T.
Protein change: p.Ala39Val; replaces alanine 39 with valine.
Molecular consequence: missense variant.
Genome position (GRCh38, 1-based): chr22:19,760,959, C>T. VCF-style: chr22-19760959-C-T. GRCh37 (hg19) VCF-style: chr22-19748482-C-T.
Other names: c.89C>T, p.Ala30Val (NM_005992.1, NM_080646.2, NM_080647.1); short protein forms A39V, A30V.
Identifiers: ClinVar variation 4615053 (VCV004615053.1).
Genomic context (GRCh38, chr22:19,760,959, plus strand): 5'-TTGCAGCCTTCACGGCCAGCAGCCTGAGCAGCCTGGGGGCCGCGGGGGGCTTCCCGGGCG[C>T]CGCGTCGCCCGGCGCCGACCCGTACGGCCCGCGCGAGCCCCCGCCGCCGCCGCCGCGCTA-3'
Protein context (NP_001366129.1, residues 29-49): SLGAAGGFPG[Ala39Val]ASPGADPYGP

ClinVar aggregate classification (germline): Uncertain significance (1 of 4 stars; one submission).

Conditions:
Cardiovascular phenotype. Identifiers: MedGen CN230736.

Submission:

Ambry Genetics
Classification: Uncertain significance for Cardiovascular phenotype. Last evaluated: 2025-09-17. Review status: criteria provided, single submitter. Criteria: Ambry Variant Classification Scheme 2023. Collection method: clinical testing. Allele origin: germline.
Comment: The p.A30V variant (also known as c.89C>T), located in coding exon 2 of the TBX1 gene, results from a C to T substitution at nucleotide position 89. The alanine at codon 30 is replaced by valine, an amino acid with similar properties. This amino acid position is conserved. In addition, this alteration is predicted to be tolerated by in silico analysis. Based on the available evidence, the clinical significance of this variant remains unclear.